The following is an entry in ClinVar:

ClinVar aggregate classification (germline): Uncertain significance. Review status: criteria provided, multiple submitters, no conflicts (2 of 4 stars). 3 submissions from 3 submitters: Uncertain significance (3). Last evaluated 2024-08-31.

Conditions:
Infantile nephronophthisis (NPHP2). Also called: Nephronophthisis 2; Nephronophthisis 2, infantile. Identifiers: Orphanet 655, Orphanet 93591, MedGen C1865872, MONDO:0011190, OMIM 602088.
Nephronophthisis. Also called: Juvenile Nephronophthisis. Identifiers: Orphanet 655, MedGen C0687120, MONDO:0019005, HP:0000090.

Allele frequency attached by ClinVar (database versions not stated): ExAC 0.00001; gnomAD 0.00001; gnomAD exomes 0.00001; TOPMed 0.00001.
gnomAD v4.1: 10 of 1,593,172 alleles (0.00063%); highest among the groups gnomAD compares: Non-Finnish European, 0.00086%; no homozygotes.

Submissions (3):

Labcorp Genetics (formerly Invitae), Labcorp
Classification: Uncertain significance for Nephronophthisis. Last evaluated: 2024-08-31. Review status: criteria provided, single submitter. Criteria: Invitae Variant Classification Sherloc (09022015). Collection method: clinical testing. Allele origin: germline.
Comment: This sequence change replaces alanine, which is neutral and non-polar, with valine, which is neutral and non-polar, at codon 297 of the INVS protein (p.Ala297Val). This variant is present in population databases (rs759327541, gnomAD 0.002%). This variant has not been reported in the literature in individuals affected with INVS-related conditions. ClinVar contains an entry for this variant (Variation ID: 1006882). An algorithm developed to predict the effect of missense changes on protein structure and function (PolyPhen-2) suggests that this variant is likely to be disruptive. In summary, the available evidence is currently insufficient to determine the role of this variant in disease. Therefore, it has been classified as a Variant of Uncertain Significance.

Fulgent Genetics
Classification: Uncertain significance for Infantile nephronophthisis. Last evaluated: 2024-03-01. Review status: criteria provided, single submitter. Criteria: ACMG Guidelines, 2015. Collection method: clinical testing. Allele origin: germline.

GeneDx
Classification: Uncertain significance. Last evaluated: 2023-10-20. Review status: criteria provided, single submitter. Criteria: GeneDx Variant Classification Process June 2021. Collection method: clinical testing. Allele origin: germline. Affected: yes.
Comment: Not observed at significant frequency in large population cohorts (gnomAD); In silico analysis supports that this missense variant does not alter protein structure/function; Has not been previously published as pathogenic or benign to our knowledge

NM_014425.5(INVS):c.890C>T (p.Ala297Val)

Gene: INVS (inversin; plus strand). Cytogenetic location: 9q31.1.
Variant type: single nucleotide variant.
Coding change: c.890C>T on transcript NM_014425.5 (MANE Select); coding-DNA position 890, C replaced by T.
Protein change: p.Ala297Val; replaces alanine 297 with valine.
Molecular consequence: missense variant. On other transcripts: 5 prime UTR variant (1), non-coding transcript variant (1).
Genome position (GRCh38, 1-based): chr9:100,242,663, C>T. VCF-style: chr9-100242663-C-T. GRCh37 (hg19) VCF-style: chr9-103004945-C-T.
Other names: c.602C>T, p.Ala201Val (NM_001318381.2); c.-100C>T (NM_001318382.2); c.890C>T (NM_014425.3); short protein forms A201V, A297V.
Identifiers: ClinVar variation 1006882 (VCV001006882.10), dbSNP rs759327541, ClinGen allele CA5158263.